The following is an entry in ClinVar:

ClinVar aggregate classification (germline): Uncertain significance. Review status: criteria provided, multiple submitters, no conflicts (2 of 4 stars). 2 submissions from 2 submitters: Uncertain significance (2). Last evaluated 2023-12-01.

Conditions:
KIF1B-related disorder. Also called: KIF1B-related condition.

Allele frequency attached by ClinVar (database versions not stated): gnomAD exomes below 0.00001; TOPMed 0.00002; gnomAD 0.00007.
gnomAD v4.1: 15 of 1,613,772 alleles (0.00093%); highest among the groups gnomAD compares: Admixed American, 0.018%; no homozygotes.

Submissions (2):

Ambry Genetics
Classification: Uncertain significance. Last evaluated: 2023-12-01. Review status: criteria provided, single submitter. Criteria: Ambry Variant Classification Scheme 2023. Collection method: clinical testing. Allele origin: germline.
Comment: The p.K1141R variant (also known as c.3422A>G), located in coding exon 30 of the KIF1B gene, results from an A to G substitution at nucleotide position 3422. The lysine at codon 1141 is replaced by arginine, an amino acid with highly similar properties. This amino acid position is well conserved in available vertebrate species. In addition, this alteration is predicted to be tolerated by in silico analysis. Since supporting evidence is limited at this time, the clinical significance of this alteration remains unclear.

PreventionGenetics, part of Exact Sciences
Classification: Uncertain significance for KIF1B-related condition. Last evaluated: 2022-11-21. Review status: criteria provided, single submitter. Criteria: ACMG Guidelines, 2015. Collection method: clinical testing. Allele origin: germline.
Comment: The KIF1B c.3422A>G variant is predicted to result in the amino acid substitution p.Lys1141Arg. To our knowledge, this variant has not been reported in the literature. This variant is reported in 0.0062% of alleles in individuals of African descent in gnomAD. At this time, the clinical significance of this variant is uncertain due to the absence of conclusive functional and genetic evidence.

NM_001365951.3(KIF1B):c.3560A>G (p.Lys1187Arg)

Gene: KIF1B (kinesin family member 1B; plus strand). Cytogenetic location: 1p36.22.
Variant type: single nucleotide variant.
Coding change: c.3560A>G on transcript NM_001365951.3 (MANE Select); coding-DNA position 3560, A replaced by G.
Protein change: p.Lys1187Arg; replaces lysine 1187 with arginine.
Molecular consequence: missense variant.
Genome position (GRCh38, 1-based): chr1:10,342,096, A>G. VCF-style: chr1-10342096-A-G. GRCh37 (hg19) VCF-style: chr1-10402154-A-G.
Other names: c.3560A>G, p.Lys1187Arg (NM_001365952.1); c.3422A>G, p.Lys1141Arg (NM_015074.3); short protein forms K1141R, K1187R.
Identifiers: ClinVar variation 1731282 (VCV001731282.3), dbSNP rs775291429, ClinGen allele CA17843707.